The following is an entry in ClinVar:

NM_025074.7(FRAS1):c.7441T>A (p.Tyr2481Asn)

Gene: FRAS1 (Fraser extracellular matrix complex subunit 1; plus strand). Cytogenetic location: 4q21.21.
Variant type: single nucleotide variant.
Coding change: c.7441T>A on transcript NM_025074.7 (MANE Select); coding-DNA position 7441, T replaced by A.
Protein change: p.Tyr2481Asn; replaces tyrosine 2481 with asparagine.
Molecular consequence: missense variant.
Genome position (GRCh38, 1-based): chr4:78,472,249, T>A. VCF-style: chr4-78472249-T-A. GRCh37 (hg19) VCF-style: chr4-79393403-T-A.
Other names: short protein forms Y2481N.
Identifiers: ClinVar variation 904874 (VCV000904874.8), dbSNP rs148042277, ClinGen allele CA2978097.

ClinVar aggregate classification (germline): Uncertain significance. Review status: criteria provided, multiple submitters, no conflicts (2 of 4 stars). 3 submissions from 3 submitters: Uncertain significance (3). Last evaluated 2024-02-29.

Conditions:
Fraser syndrome 1 (FRASRS1). Also called: CRYPTOPHTHALMOS WITH OTHER MALFORMATIONS. Identifiers: Orphanet 2052, MedGen C4551480, MONDO:0054737, OMIM 219000.

Allele frequency attached by ClinVar (database versions not stated): TOPMed below 0.00001; gnomAD 0.00002; gnomAD exomes 0.00002 and 0.00003; ExAC 0.00003; 1000 Genomes Project 30x 0.00016; 1000 Genomes Project 0.00020.
gnomAD v4.1: 48 of 1,613,874 alleles (0.003%); highest among the groups gnomAD compares: East Asian, 0.11%; no homozygotes.

Submissions (3):

Fulgent Genetics
Classification: Uncertain significance for Fraser syndrome 1. Last evaluated: 2024-02-29. Review status: criteria provided, single submitter. Criteria: ACMG Guidelines, 2015. Collection method: clinical testing. Allele origin: germline.

Illumina Laboratory Services, Illumina
Classification: Uncertain significance for Fraser syndrome 1. Last evaluated: 2018-01-13. Review status: criteria provided, single submitter. Criteria: ICSL Variant Classification Criteria 13 December 2019. Collection method: clinical testing. Allele origin: germline.

Juno Genomics, Hangzhou Juno Genomics, Inc
Classification: Uncertain significance for Fraser syndrome 1. Review status: criteria provided, single submitter. Criteria: ACMG Guidelines, 2015. Collection method: clinical testing. Allele origin: germline.
Comment: Absent from controls (or at extremely low frequency if recessive) in Genome Aggregation Database.;Multiple lines of computational evidence support a deleterious effect on the gene or gene product.